The following is an entry in ClinVar:

NM_000321.3(RB1):c.506del (p.Cys169fs)

Gene: RB1 (RB transcriptional corepressor 1; plus strand). Cytogenetic location: 13q14.2.
Variant type: Deletion.
Coding change: c.506del on transcript NM_000321.3 (MANE Select); coding-DNA position 506, one base deleted (G; older notation c.506delG).
Protein change: p.Cys169fs; shifts the reading frame from cysteine 169.
Molecular consequence: frameshift variant.
Genome position (GRCh38, 1-based): chr13:48,347,830, G deleted. VCF-style (leftmost placement, unchanged base first): chr13-48347829-TG-T. GRCh37 (hg19) VCF-style: chr13-48921965-TG-T.
Other names: c.506delG, p.Cys169Leufs (NM_001407165.1, NM_001407166.1); short protein forms C169fs.
Identifiers: ClinVar variation 1745147 (VCV001745147.2), dbSNP rs2542163614, ClinGen allele CA2580088106.

ClinVar aggregate classification (germline): Pathogenic (1 of 4 stars; one submission).

Conditions:
Hereditary cancer-predisposing syndrome. Also called: Hereditary Cancer Syndrome; Neoplastic Syndromes, Hereditary; Tumor predisposition; Hereditary neoplastic syndrome. Identifiers: Orphanet 140162, MedGen C0027672, MeSH D009386, MONDO:0015356.

Submission:

Ambry Genetics
Classification: Pathogenic for Hereditary cancer-predisposing syndrome. Last evaluated: 2020-10-16. Review status: criteria provided, single submitter. Criteria: Ambry Variant Classification Scheme 2023. Collection method: clinical testing. Allele origin: germline.
Comment: The c.506delG pathogenic mutation, located in coding exon 5 of the RB1 gene, results from a deletion of one nucleotide at nucleotide position 506, causing a translational frameshift with a predicted alternate stop codon (p.C169Lfs*6). This alteration is expected to result in loss of function by premature protein truncation or nonsense-mediated mRNA decay. As such, this alteration is interpreted as a disease-causing mutation.